The following is an entry in ClinVar:

NM_001379286.1(ZNF423):c.899A>C (p.Lys300Thr)

Gene: ZNF423 (zinc finger protein 423; minus strand). Cytogenetic location: 16q12.1.
Variant type: single nucleotide variant.
Coding change: c.899A>C on transcript NM_001379286.1 (MANE Select); coding-DNA position 899, A replaced by C.
Protein change: p.Lys300Thr; replaces lysine 300 with threonine.
Molecular consequence: missense variant.
Genome position (GRCh38, 1-based): chr16:49,638,277, T>G on the plus strand (A>C on the coding strand, the complement: ZNF423 is on the minus strand). VCF-style: chr16-49638277-T-G. GRCh37 (hg19) VCF-style: chr16-49672188-T-G.
Other names: p.Lys292Thr; c.695A>C, p.Lys232Thr (NM_001271620.2); c.524A>C, p.Lys175Thr (NM_001330533.2); c.875A>C, p.Lys292Thr (NM_015069.5); short protein forms K175T, K232T, K292T, K300T.
Identifiers: ClinVar variation 2683366 (VCV002683366.1), dbSNP rs1330432720, ClinGen allele CA395851097.

ClinVar aggregate classification (germline): Uncertain significance (1 of 4 stars; one submission).

Submission:

Mayo Clinic Laboratories, Mayo Clinic
Classification: Uncertain significance. Last evaluated: 2022-11-21. Review status: criteria provided, single submitter. Criteria: ACMG Guidelines, 2015. Collection method: clinical testing. Allele origin: germline. Observed: 1 variant allele.
Comment: BP4, PM2_supporting